The following is an entry in ClinVar:

ClinVar aggregate classification (germline): Likely benign. Review status: reviewed by expert panel (3 of 4 stars). 8 submissions from 8 submitters: Likely benign (1). 7 of the submissions do not count toward it. Last evaluated 2017-06-29.

Conditions:
Hereditary breast ovarian cancer syndrome. Also called: Hereditary breast and ovarian cancer syndrome (HBOC); BRCA1- and BRCA2-Associated Hereditary Breast and Ovarian Cancer; Hereditary breast and/or ovarian cancer syndrome; Hereditary breast and ovarian cancer syndrome; Hereditary breast and ovarian cancer; Breast and ovarian cancer. Identifiers: Orphanet 145, MedGen C0677776, MeSH D061325, MONDO:0003582. Disease mechanism: loss of function.
Hereditary cancer-predisposing syndrome. Also called: Neoplastic Syndromes, Hereditary; Hereditary neoplastic syndrome; Tumor predisposition; Hereditary Cancer Syndrome. Identifiers: Orphanet 140162, MedGen C0027672, MeSH D009386, MONDO:0015356.
BRCA1-related cancer predisposition. Identifiers: MedGen CN377757, MONDO:0700268.
Breast-ovarian cancer, familial, susceptibility to, 1 (BROVCA1). Also called: BRCA1 Hereditary Breast and Ovarian Cancer; OVARIAN CANCER, SUSCEPTIBILITY TO. Identifiers: Orphanet 145, MedGen C2676676, MONDO:0011450, OMIM 604370. Disease mechanism: loss of function.

Allele frequency attached by ClinVar (database versions not stated): gnomAD exomes 0.00002; ExAC 0.00003.
gnomAD v4.1: 9 of 1,614,202 alleles (0.00056%); highest among the groups gnomAD compares: East Asian, 0.016%; no homozygotes.

Submissions (8):

Evidence-based Network for the Interpretation of Germline Mutant Alleles (ENIGMA)
Classification: Likely benign for Breast-ovarian cancer, familial, susceptibility to, 1. Last evaluated: 2017-06-29. Review status: reviewed by expert panel. Criteria: ENIGMA BRCA1/2 Classification Criteria (2017-06-29). Collection method: curation. Allele origin: germline.
Comment: Synonymous substitution variant, with low bioinformatic likelihood to result in a splicing aberration (Splicing prior probability 0.02).

Labcorp Genetics (formerly Invitae), Labcorp
Classification: Likely benign for Hereditary breast ovarian cancer syndrome. Last evaluated: 2025-11-11. Review status: criteria provided, single submitter. Criteria: Invitae Variant Classification Sherloc (09022015). Collection method: clinical testing. Allele origin: germline. Not counted in ClinVar's aggregate classification.

All of Us Research Program, National Institutes of Health
Classification: Likely benign for BRCA1-related cancer predisposition. Last evaluated: 2024-08-06. Review status: criteria provided, single submitter. Criteria: ACMG Guidelines, 2015. Collection method: clinical testing. Allele origin: germline. Inheritance: Autosomal dominant inheritance. Observed: 1 variant allele, 1 heterozygote. Not counted in ClinVar's aggregate classification.
Comment: This study involves interpretation of variants in research participants for the purpose of population health screening. Participant phenotype was not available at the time of variant classification. Additional details can be found in publication PMID: 35346344, PMCID: PMC8962531

Sema4
Classification: Likely benign for Hereditary cancer-predisposing syndrome. Last evaluated: 2021-11-24. Review status: criteria provided, single submitter. Criteria: Sema4 Curation Guidelines. Collection method: curation. Allele origin: germline. Not counted in ClinVar's aggregate classification.

Ambry Genetics
Classification: Likely benign for Hereditary cancer-predisposing syndrome. Last evaluated: 2019-12-04. Review status: criteria provided, single submitter. Criteria: Ambry Variant Classification Scheme 2023. Collection method: clinical testing. Allele origin: germline. Not counted in ClinVar's aggregate classification.

Quest Diagnostics Nichols Institute San Juan Capistrano
Classification: Likely benign. Last evaluated: 2019-03-26. Review status: criteria provided, single submitter. Criteria: Quest Diagnostics criteria. Collection method: clinical testing. Allele origin: germline. Not counted in ClinVar's aggregate classification.

GeneDx
Classification: Likely benign. Last evaluated: 2017-12-15. Review status: criteria provided, single submitter. Criteria: GeneDx Variant Classification (06012015). Collection method: clinical testing. Allele origin: germline. Affected: yes. Not counted in ClinVar's aggregate classification.
Comment: This variant is considered likely benign or benign based on one or more of the following criteria: it is a conservative change, it occurs at a poorly conserved position in the protein, it is predicted to be benign by multiple in silico algorithms, and/or has population frequency not consistent with disease.

Color Diagnostics, LLC DBA Color Health
Classification: Likely benign for Hereditary cancer-predisposing syndrome. Last evaluated: 2016-04-07. Review status: criteria provided, single submitter. Criteria: ACMG Guidelines, 2015. Collection method: clinical testing. Allele origin: germline. Not counted in ClinVar's aggregate classification.

Literature cited by the submitters: PubMed 30287823 (cited by Quest Diagnostics Nichols Institute San Juan Capistrano); PubMed 28364669 (cited by Quest Diagnostics Nichols Institute San Juan Capistrano); PubMed 28179634 (cited by Quest Diagnostics Nichols Institute San Juan Capistrano).

NM_007294.4(BRCA1):c.4798T>C (p.Leu1600=)

Gene: BRCA1 (BRCA1 DNA repair associated; minus strand). Cytogenetic location: 17q21.31.
Variant type: single nucleotide variant.
Coding change: c.4798T>C on transcript NM_007294.4 (MANE Select); coding-DNA position 4798, T replaced by C.
Protein change: p.Leu1600=; no amino-acid change (leucine 1600 retained).
Molecular consequence: synonymous variant. On other transcripts: intron variant (1).
Genome position (GRCh38, 1-based): chr17:43,071,116, A>G on the plus strand (T>C on the coding strand, the complement: BRCA1 is on the minus strand). VCF-style: chr17-43071116-A-G. GRCh37 (hg19) VCF-style: chr17-41223133-A-G.
Other names: c.1369T>C, p.Leu457= (NM_001408421.1, NM_001408422.1, NM_001408423.1 and 1 more transcripts); c.1366T>C, p.Leu456= (NM_001408425.1, NM_001408426.1, NM_001408427.1 and 4 more transcripts); c.1363T>C, p.Leu455= (NM_001408432.1, NM_001408433.1, NM_001408434.1 and 10 more transcripts); c.1360T>C, p.Leu454= (NM_001408445.1, NM_001408446.1, NM_001408447.1 and 2 more transcripts); c.1354T>C, p.Leu452= (NM_001408451.1); c.1348T>C, p.Leu450= (NM_001408452.1, NM_001408453.1, NM_001408454.1 and 3 more transcripts); c.1345T>C, p.Leu449= (NM_001408458.1, NM_001408459.1, NM_001408460.1 and 7 more transcripts); c.1342T>C, p.Leu448= (NM_001408468.1, NM_001408469.1, NM_001408470.1); and 71 more.
Identifiers: ClinVar variation 427357 (VCV000427357.23), dbSNP rs775837744, ClinGen allele CA053253.